The following is an entry in ClinVar:

NM_130837.3(OPA1):c.533T>A (p.Leu178Ter)

Gene: OPA1 (OPA1 mitochondrial dynamin like GTPase; plus strand). Cytogenetic location: 3q29.
Variant type: single nucleotide variant.
Coding change: c.533T>A on transcript NM_130837.3 (MANE Select); coding-DNA position 533, T replaced by A.
Protein change: p.Leu178Ter; replaces leucine 178 with a stop codon.
Molecular consequence: nonsense. On other transcripts: intron variant (5).
Genome position (GRCh38, 1-based): chr3:193,617,262, T>A. VCF-style: chr3-193617262-T-A. GRCh37 (hg19) VCF-style: chr3-193335051-T-A.
Other names: c.161T>A, p.Leu54Ter (NM_001354664.2); c.533T>A, p.Leu178Ter (NM_015560.3, NM_130834.3, NM_130836.3); c.76+1492T>A (NM_001354663.2); c.449-522T>A (NM_130835.3, NM_130832.3); c.448+1492T>A (NM_130833.3, NM_130831.3); short protein forms L178*, L54*.
Identifiers: ClinVar variation 167399 (VCV000167399.10), dbSNP rs727504058, ClinGen allele CA234454.
Genomic context (GRCh38, chr3:193,617,262, plus strand): 5'-GTTCAGAAGACCTTGTAAAGTTAGCACCAGACTTTGACAAGATTGTTGAAAGCCTTAGCT[T>A]ATTGAAGGACTTTTTTACCTCAGGTAAGGAAGAAGCTGTTTGATCTAATTTAAAAATTTA-3'

ClinVar aggregate classification (germline): Pathogenic. Review status: criteria provided, multiple submitters, no conflicts (2 of 4 stars). 2 submissions from 2 submitters: Pathogenic (2). Last evaluated 2023-07-19.

Allele frequency attached by ClinVar (database versions not stated): gnomAD exomes below 0.00001; gnomAD 0.00001; TOPMed 0.00002.
gnomAD v4.1: 3 of 1,611,154 alleles (0.00019%); highest among the groups gnomAD compares: Non-Finnish European, 0.00025%; no homozygotes.

Submissions (2):

Labcorp Genetics (formerly Invitae), Labcorp
Classification: Pathogenic. Last evaluated: 2023-07-19. Review status: criteria provided, single submitter. Criteria: Invitae Variant Classification Sherloc (09022015). Collection method: clinical testing. Allele origin: germline.
Comment: This sequence change creates a premature translational stop signal (p.Leu178*) in the OPA1 gene. It is expected to result in an absent or disrupted protein product. Loss-of-function variants in OPA1 are known to be pathogenic (PMID: 11440988, 20157015, 20952381, 25012220). For these reasons, this variant has been classified as Pathogenic. ClinVar contains an entry for this variant (Variation ID: 167399). This variant has not been reported in the literature in individuals affected with OPA1-related conditions. This variant is not present in population databases (gnomAD no frequency).

Eurofins Ntd Llc (ga)
Classification: Pathogenic. Last evaluated: 2014-02-15. Review status: criteria provided, single submitter. Criteria: EGL Classification Definitions. Collection method: clinical testing. Allele origin: germline. Observed: 1 variant allele, 1 heterozygote.

Literature cited by the submitters: PubMed 11440988 (cited by Labcorp Genetics (formerly Invitae), Labcorp); PubMed 20157015 (cited by Labcorp Genetics (formerly Invitae), Labcorp); PubMed 20952381 (cited by Labcorp Genetics (formerly Invitae), Labcorp); PubMed 25012220 (cited by Labcorp Genetics (formerly Invitae), Labcorp).